The following is an entry in ClinVar:

ClinVar aggregate classification (germline): Uncertain significance (1 of 4 stars; one submission).

Submission:

Labcorp Genetics (formerly Invitae), Labcorp
Classification: Uncertain significance. Last evaluated: 2024-06-03. Review status: criteria provided, single submitter. Criteria: Invitae Variant Classification Sherloc (09022015). Collection method: clinical testing. Allele origin: germline.
Comment: This sequence change replaces tyrosine, which is neutral and polar, with serine, which is neutral and polar, at codon 119 of the MRAP2 protein (p.Tyr119Ser). This variant is not present in population databases (gnomAD no frequency). This variant has not been reported in the literature in individuals affected with MRAP2-related conditions. An algorithm developed to predict the effect of missense changes on protein structure and function (PolyPhen-2) suggests that this variant is likely to be disruptive. In summary, the available evidence is currently insufficient to determine the role of this variant in disease. Therefore, it has been classified as a Variant of Uncertain Significance.

NM_138409.4(MRAP2):c.356A>C (p.Tyr119Ser)

Gene: MRAP2 (melanocortin 2 receptor accessory protein 2; plus strand). Cytogenetic location: 6q14.2.
Variant type: single nucleotide variant.
Coding change: c.356A>C on transcript NM_138409.4 (MANE Select); coding-DNA position 356, A replaced by C.
Protein change: p.Tyr119Ser; replaces tyrosine 119 with serine.
Molecular consequence: missense variant.
Genome position (GRCh38, 1-based): chr6:84,089,219, A>C. VCF-style: chr6-84089219-A-C. GRCh37 (hg19) VCF-style: chr6-84798938-A-C.
Other names: c.98A>C, p.Tyr33Ser (NM_001346541.2); c.356A>C, p.Tyr119Ser (NM_001346542.2, NM_001346544.2); c.191A>C, p.Tyr64Ser (NM_001346543.2); short protein forms Y119S, Y64S, Y33S.
Identifiers: ClinVar variation 2754989 (VCV002754989.3), dbSNP rs1316346871, ClinGen allele CA364868741.